The following is an entry in ClinVar:

ClinVar aggregate classification (germline): Uncertain significance (1 of 4 stars; one submission).

Conditions:
Cholestanol storage disease (CTX). Also called: CEREBRAL CHOLESTERINOSIS; Cerebrotendinous Xanthomatosis; CTX: Cerebrotendinous xanthomatosis. Identifiers: Orphanet 909, MedGen C0238052, MONDO:0008948, OMIM 213700.

Submission:

Labcorp Genetics (formerly Invitae), Labcorp
Classification: Uncertain significance for Cholestanol storage disease. Last evaluated: 2021-04-08. Review status: criteria provided, single submitter. Criteria: Invitae Variant Classification Sherloc (09022015). Collection method: clinical testing. Allele origin: germline.
Comment: This sequence change replaces aspartic acid with asparagine at codon 354 of the CYP27A1 protein (p.Asp354Asn). The aspartic acid residue is weakly conserved and there is a small physicochemical difference between aspartic acid and asparagine. In summary, the available evidence is currently insufficient to determine the role of this variant in disease. Therefore, it has been classified as a Variant of Uncertain Significance. Advanced modeling of protein sequence and biophysical properties (such as structural, functional, and spatial information, amino acid conservation, physicochemical variation, residue mobility, and thermodynamic stability) performed at Invitae indicates that this missense variant is not expected to disrupt CYP27A1 protein function. This variant has not been reported in the literature in individuals with CYP27A1-related conditions. This variant is not present in population databases (ExAC no frequency).

NM_000784.4(CYP27A1):c.1060G>A (p.Asp354Asn)

Gene: CYP27A1 (cytochrome P450 family 27 subfamily A member 1; plus strand). Cytogenetic location: 2q35.
Variant type: single nucleotide variant.
Coding change: c.1060G>A on transcript NM_000784.4 (MANE Select); coding-DNA position 1060, G replaced by A.
Protein change: p.Asp354Asn; replaces aspartic acid 354 with asparagine.
Molecular consequence: missense variant.
Genome position (GRCh38, 1-based): chr2:218,814,063, G>A. VCF-style: chr2-218814063-G-A. GRCh37 (hg19) VCF-style: chr2-219678786-G-A.
Other names: short protein forms D354N.
Identifiers: ClinVar variation 1372342 (VCV001372342.8), dbSNP rs2105980881, ClinGen allele CA350591573.